The following is an entry in ClinVar:

NM_000096.4(CP):c.690G>A (p.Trp230Ter)

Gene: CP (ceruloplasmin; minus strand). Cytogenetic location: 3q25.1.
Variant type: single nucleotide variant.
Coding change: c.690G>A on transcript NM_000096.4 (MANE Select); coding-DNA position 690, G replaced by A.
Protein change: p.Trp230Ter; replaces tryptophan 230 with a stop codon.
Molecular consequence: nonsense. On other transcripts: non-coding transcript variant (1).
Genome position (GRCh38, 1-based): chr3:149,209,302, C>T on the plus strand (G>A on the coding strand, the complement: CP is on the minus strand). VCF-style: chr3-149209302-C-T. GRCh37 (hg19) VCF-style: chr3-148927089-C-T.
Other names: short protein forms W230*.
Identifiers: ClinVar variation 4857321 (VCV004857321.1).

ClinVar aggregate classification (germline): Pathogenic (1 of 4 stars; one submission).

Conditions:
Iron metabolism disorders.

Submission:

North West Genomic Laboratory Hub, Manchester University NHS Foundation Trust
Classification: Pathogenic for Iron metabolism disorders. Last evaluated: 2024-09-07. Review status: criteria provided, single submitter. Criteria: ACGS Best Practice Guidelines for Variant Classification in Rare Disease 2020. Collection method: clinical testing. Allele origin: germline. Affected: yes.
Comment: PVS1_VStr PM2_Mod PP4_Supp